The following is an entry in ClinVar:

NM_021620.4(PRDM13):c.185dup (p.Ser63fs)

Gene: PRDM13 (PR/SET domain 13; plus strand). Cytogenetic location: 6q16.2.
Variant type: Duplication.
Coding change: c.185dup on transcript NM_021620.4 (MANE Select); coding-DNA position 185, one base duplicated (G; older notation c.185dupG).
Protein change: p.Ser63fs; shifts the reading frame from serine 63.
Molecular consequence: frameshift variant.
Genome position (GRCh38, 1-based): chr6:99,608,781, G duplicated; the last of 6 consecutive G bases (chr6:99,608,776-99,608,781); duplicating any one gives the same sequence. VCF-style (leftmost placement, unchanged base first): chr6-99608775-C-CG. GRCh37 (hg19) VCF-style: chr6-100056651-C-CG.
Other names: short protein forms S63fs.
Identifiers: ClinVar variation 960817 (VCV000960817.7), dbSNP rs760000881, ClinGen allele CA3936133.

ClinVar aggregate classification (germline): Uncertain significance (1 of 4 stars; one submission).

Submission:

Labcorp Genetics (formerly Invitae), Labcorp
Classification: Uncertain significance. Last evaluated: 2024-10-25. Review status: criteria provided, single submitter. Criteria: Invitae Variant Classification Sherloc (09022015). Collection method: clinical testing. Allele origin: germline.
Comment: This sequence change creates a premature translational stop signal (p.Ser63Leufs*51) in the PRDM13 gene. It is expected to result in an absent or disrupted protein product. However, the current clinical and genetic evidence is not sufficient to establish whether loss-of-function variants in PRDM13 cause disease. The frequency data for this variant in the population databases is considered unreliable, as metrics indicate poor data quality at this position in the gnomAD database. This variant has not been reported in the literature in individuals affected with PRDM13-related conditions. ClinVar contains an entry for this variant (Variation ID: 960817). Algorithms developed to predict the effect of sequence changes on RNA splicing suggest that this variant may disrupt the consensus splice site. In summary, the available evidence is currently insufficient to determine the role of this variant in disease. Therefore, it has been classified as a Variant of Uncertain Significance.